The following is an entry in ClinVar:

NM_006904.7(PRKDC):c.8696G>A (p.Arg2899His)

Genes: PRKDC (protein kinase, DNA-activated, catalytic subunit; minus strand), LOC121740717 (Sharpr-MPRA regulatory region 7649; plus strand). Cytogenetic location: 8q11.21.
Variant type: single nucleotide variant.
Coding change: c.8696G>A on transcript NM_006904.7 (MANE Select); coding-DNA position 8696, G replaced by A.
Protein change: p.Arg2899His; replaces arginine 2899 with histidine.
Molecular consequence: missense variant.
Genome position (GRCh38, 1-based): chr8:47,826,743, C>T on the plus strand (G>A on the coding strand, the complement: PRKDC is on the minus strand). VCF-style: chr8-47826743-C-T. GRCh37 (hg19) VCF-style: chr8-48739304-C-T.
Other names: c.8696G>A, p.Arg2899His (NM_001081640.2); short protein forms R2899H.
Identifiers: ClinVar variation 1397303 (VCV001397303.3), dbSNP rs752729212, ClinGen allele CA4739758.

ClinVar aggregate classification (germline): Uncertain significance (1 of 4 stars; one submission).

Conditions:
Severe combined immunodeficiency due to DNA-PKcs deficiency. Also called: IMMUNODEFICIENCY 26 WITH NEUROLOGIC ABNORMALITIES; Immunodeficiency 26 with or without neurologic abnormalities. Identifiers: Orphanet 317425, MedGen C4014833, MONDO:0014423, OMIM 615966.

Allele frequency attached by ClinVar (database versions not stated): ExAC 0.00001; gnomAD exomes 0.00001; TOPMed 0.00004; gnomAD 0.00005 and 0.00006.
gnomAD v4.1: 33 of 1,612,882 alleles (0.002%); highest among the groups gnomAD compares: African/African-American, 0.011%; 1 homozygote.

Submission:

Labcorp Genetics (formerly Invitae), Labcorp
Classification: Uncertain significance for Severe combined immunodeficiency due to DNA-PKcs deficiency. Last evaluated: 2022-09-16. Review status: criteria provided, single submitter. Criteria: Invitae Variant Classification Sherloc (09022015). Collection method: clinical testing. Allele origin: germline.
Comment: This sequence change replaces arginine, which is basic and polar, with histidine, which is basic and polar, at codon 2899 of the PRKDC protein (p.Arg2899His). This variant is present in population databases (rs752729212, gnomAD 0.01%). This variant has not been reported in the literature in individuals affected with PRKDC-related conditions. ClinVar contains an entry for this variant (Variation ID: 1397303). Experimental studies and prediction algorithms are not available or were not evaluated, and the functional significance of this variant is currently unknown. In summary, the available evidence is currently insufficient to determine the role of this variant in disease. Therefore, it has been classified as a Variant of Uncertain Significance.